The following is an entry in ClinVar:

NM_001378454.1(ALMS1):c.184C>T (p.Pro62Ser)

Gene: ALMS1 (ALMS1 centrosome and basal body associated protein; plus strand). Cytogenetic location: 2p13.1.
Variant type: single nucleotide variant.
Coding change: c.184C>T on transcript NM_001378454.1 (MANE Select); coding-DNA position 184, C replaced by T.
Protein change: p.Pro62Ser; replaces proline 62 with serine.
Molecular consequence: missense variant.
Genome position (GRCh38, 1-based): chr2:73,386,052, C>T. VCF-style: chr2-73386052-C-T. GRCh37 (hg19) VCF-style: chr2-73613180-C-T.
Other names: c.187C>T, p.Pro63Ser (NM_015120.4); short protein forms P62S, P63S.
Identifiers: ClinVar variation 1963658 (VCV001963658.2), dbSNP rs1389133056, ClinGen allele CA347250782.

ClinVar aggregate classification (germline): Uncertain significance (1 of 4 stars; one submission).

Conditions:
Alstrom syndrome (ALMS). Identifiers: Orphanet 64, MedGen C0268425, MONDO:0008763, OMIM 203800.

Allele frequency attached by ClinVar (database versions not stated): TOPMed below 0.00001; gnomAD 0.00001.
gnomAD v4.1: 6 of 1,582,592 alleles (0.00038%); highest among the groups gnomAD compares: African/African-American, 0.0014%; no homozygotes.

Submission:

Labcorp Genetics (formerly Invitae), Labcorp
Classification: Uncertain significance for Alstrom syndrome. Last evaluated: 2022-03-13. Review status: criteria provided, single submitter. Criteria: Invitae Variant Classification Sherloc (09022015). Collection method: clinical testing. Allele origin: germline.
Comment: This sequence change replaces proline, which is neutral and non-polar, with serine, which is neutral and polar, at codon 63 of the ALMS1 protein (p.Pro63Ser). This variant is not present in population databases (gnomAD no frequency). This variant has not been reported in the literature in individuals affected with ALMS1-related conditions. Experimental studies and prediction algorithms are not available or were not evaluated, and the functional significance of this variant is currently unknown. In summary, the available evidence is currently insufficient to determine the role of this variant in disease. Therefore, it has been classified as a Variant of Uncertain Significance.